The following is an entry in ClinVar:

ClinVar aggregate classification (germline): Uncertain significance. Review status: criteria provided, multiple submitters, no conflicts (2 of 4 stars). 2 submissions from 2 submitters: Uncertain significance (2). Last evaluated 2021-10-25.

Conditions:
Eculizumab, poor response to. Identifiers: MedGen C3810402, OMIM 615749.
Complement component 5 deficiency. Also called: C5 DEFICIENCY. Identifiers: MedGen C0343047, MONDO:0012295, OMIM 609536.

Allele frequency attached by ClinVar (database versions not stated): gnomAD exomes below 0.00001; TOPMed 0.00002; ExAC 0.00001; gnomAD 0.00002.
gnomAD v4.1: 9 of 1,613,302 alleles (0.00056%); highest among the groups gnomAD compares: Non-Finnish European, 0.00076%; no homozygotes.

Submissions (2):

Fulgent Genetics
Classification: Uncertain significance for Complement component 5 deficiency; Eculizumab, poor response to. Last evaluated: 2021-10-25. Review status: criteria provided, single submitter. Criteria: ACMG Guidelines, 2015. Collection method: clinical testing. Allele origin: unknown.

Labcorp Genetics (formerly Invitae), Labcorp
Classification: Uncertain significance. Last evaluated: 2021-08-26. Review status: criteria provided, single submitter. Criteria: Invitae Variant Classification Sherloc (09022015). Collection method: clinical testing. Allele origin: germline.
Comment: This sequence change replaces glutamic acid with alanine at codon 105 of the C5 protein (p.Glu105Ala). The glutamic acid residue is moderately conserved and there is a moderate physicochemical difference between glutamic acid and alanine. The frequency data for this variant in the population databases is considered unreliable, as metrics indicate poor data quality at this position in the ExAC database. This variant has not been reported in the literature in individuals affected with C5-related conditions. Algorithms developed to predict the effect of missense changes on protein structure and function (SIFT, PolyPhen-2, Align-GVGD) all suggest that this variant is likely to be tolerated. Algorithms developed to predict the effect of sequence changes on RNA splicing suggest that this variant may create or strengthen a splice site. In summary, the available evidence is currently insufficient to determine the role of this variant in disease. Therefore, it has been classified as a Variant of Uncertain Significance.

NM_001735.3(C5):c.314A>C (p.Glu105Ala)

Gene: C5 (complement C5; minus strand). Cytogenetic location: 9q33.2.
Variant type: single nucleotide variant.
Coding change: c.314A>C on transcript NM_001735.3 (MANE Select); coding-DNA position 314, A replaced by C.
Protein change: p.Glu105Ala; replaces glutamic acid 105 with alanine.
Molecular consequence: missense variant.
Genome position (GRCh38, 1-based): chr9:121,043,111, T>G on the plus strand (A>C on the coding strand, the complement: C5 is on the minus strand). VCF-style: chr9-121043111-T-G. GRCh37 (hg19) VCF-style: chr9-123805389-T-G.
Other names: c.332A>C, p.Glu111Ala (NM_001317163.2); c.314A>C, p.Glu105Ala (NM_001317164.2); short protein forms E105A, E111A.
Identifiers: ClinVar variation 1467723 (VCV001467723.6), dbSNP rs754822238, ClinGen allele CA5218427.